The following is an entry in ClinVar:

NM_001999.4(FBN2):c.6881-206G>T

Gene: FBN2 (fibrillin 2; minus strand). Cytogenetic location: 5q23.3.
Variant type: single nucleotide variant.
Coding change: c.6881-206G>T on transcript NM_001999.4 (MANE Select); 206 bases into the intron before coding-DNA position 6881, G replaced by T.
Molecular consequence: intron variant.
Genome position (GRCh38, 1-based): chr5:128,287,055, C>A on the plus strand (G>T on the coding strand, the complement: FBN2 is on the minus strand). VCF-style: chr5-128287055-C-A. GRCh37 (hg19) VCF-style: chr5-127622747-C-A.
Identifiers: ClinVar variation 672324 (VCV000672324.1), dbSNP rs11746935, ClinGen allele CA12063089.

ClinVar aggregate classification (germline): Benign (1 of 4 stars; one submission).

Allele frequency attached by ClinVar (database versions not stated): 1000 Genomes Project 30x 0.15600; 1000 Genomes Project 0.15895; TOPMed 0.21326; gnomAD 0.23085 and 0.23193.
gnomAD v4.1: 35,251 of 152,020 alleles (23%); highest among the groups gnomAD compares: Middle Eastern, 43%; 5,057 homozygotes.

Submission:

GeneDx
Classification: Benign. Last evaluated: 2018-06-19. Review status: criteria provided, single submitter. Criteria: GeneDx Variant Classification (06012015). Collection method: clinical testing. Allele origin: germline. Affected: yes.
Comment: This variant is considered likely benign or benign based on one or more of the following criteria: it is a conservative change, it occurs at a poorly conserved position in the protein, it is predicted to be benign by multiple in silico algorithms, and/or has population frequency not consistent with disease.